The following is an entry in ClinVar:

ClinVar aggregate classification (germline): Benign. Review status: criteria provided, single submitter (1 of 4 stars). 2 submissions from 2 submitters: Benign (1). 1 of the submissions does not count toward it. Last evaluated 2019-01-10.

Conditions:
X-linked central congenital hypothyroidism with late-onset testicular enlargement. Also called: HYPOTHYROIDISM, CENTRAL, WITH TESTICULAR ENLARGEMENT; Hypothyroidism, central, and testicular enlargement. Identifiers: Orphanet 329235, MedGen C3550963, MONDO:0010475, OMIM 300888.

Allele frequency attached by ClinVar (database versions not stated): 1000 Genomes Project 0.52503; 1000 Genomes Project 30x 0.53944; gnomAD exomes 0.56843; TOPMed 0.62168; gnomAD 0.63356.

Submissions (2):

GeneDx
Classification: Benign. Last evaluated: 2019-01-10. Review status: criteria provided, single submitter. Criteria: GeneDx Variant Classification Process June 2021. Collection method: clinical testing. Allele origin: germline. Affected: yes.

Leiden Open Variation Database
Classification: Likely benign for X-linked central congenital hypothyroidism with late-onset testicular enlargement. Last evaluated: 2020-02-28. Review status: no assertion criteria provided. Collection method: curation. Allele origin: germline. Affected: yes. Not counted in ClinVar's aggregate classification.
Comment: Curator: Arleen D. Auerbach. Submitter to LOVD: Yu Sun.

NM_001018113.3(FANCB):c.951+129A>C

Gene: FANCB (FA complementation group B; minus strand). Cytogenetic location: Xp22.2.
Variant type: single nucleotide variant.
Coding change: c.951+129A>C on transcript NM_001018113.3 (MANE Select); 129 bases into the intron after coding-DNA position 951, A replaced by C.
Molecular consequence: intron variant.
Genome position (GRCh38, 1-based): chrX:14,864,431, T>G on the plus strand (A>C on the coding strand, the complement: FANCB is on the minus strand). VCF-style: chrX-14864431-T-G. GRCh37 (hg19) VCF-style: chrX-14882553-T-G.
Other names: c.951+129A>C (NM_001324162.2, NM_152633.4).
Identifiers: ClinVar variation 691303 (VCV000691303.5), dbSNP rs2375729, ClinGen allele CA327063384.